The following is an entry in ClinVar:

ClinVar aggregate classification (germline): Pathogenic (1 of 4 stars; one submission).

gnomAD v4.1: 4 of 1,613,036 alleles (0.00025%); highest among the groups gnomAD compares: Admixed American, 0.0033%; no homozygotes.

Submission:

Labcorp Genetics (formerly Invitae), Labcorp
Classification: Pathogenic. Last evaluated: 2021-03-31. Review status: criteria provided, single submitter. Criteria: Invitae Variant Classification Sherloc (09022015). Collection method: clinical testing. Allele origin: germline.
Comment: This variant is present in population databases (rs762098368, ExAC 0.002%). This sequence change creates a premature translational stop signal (p.Gln49*) in the C6 gene. It is expected to result in an absent or disrupted protein product. Loss-of-function variants in C6 are known to be pathogenic (PMID: 17257682). This variant has not been reported in the literature in individuals with C6-related conditions. For these reasons, this variant has been classified as Pathogenic.

Literature cited by the submitters: PubMed 17257682.

NM_000065.5(C6):c.145C>T (p.Gln49Ter)

Gene: C6 (complement C6; minus strand). Cytogenetic location: 5p13.1.
Variant type: single nucleotide variant.
Coding change: c.145C>T on transcript NM_000065.5 (MANE Select); coding-DNA position 145, C replaced by T.
Protein change: p.Gln49Ter; replaces glutamine 49 with a stop codon.
Molecular consequence: nonsense.
Genome position (GRCh38, 1-based): chr5:41,201,713, G>A on the plus strand (C>T on the coding strand, the complement: C6 is on the minus strand). VCF-style: chr5-41201713-G-A. GRCh37 (hg19) VCF-style: chr5-41201815-G-A.
Other names: c.145C>T, p.Gln49Ter (NM_001115131.4); short protein forms Q49*.
Identifiers: ClinVar variation 1385769 (VCV001385769.6), dbSNP rs762098368, ClinGen allele CA3252877.